The following is an entry in ClinVar:

NM_003024.3(ITSN1):c.463G>T (p.Val155Leu)

Gene: ITSN1 (intersectin 1; plus strand). Cytogenetic location: 21q22.11.
Variant type: single nucleotide variant.
Coding change: c.463G>T on transcript NM_003024.3 (MANE Select); coding-DNA position 463, G replaced by T.
Protein change: p.Val155Leu; replaces valine 155 with leucine.
Molecular consequence: missense variant.
Genome position (GRCh38, 1-based): chr21:33,750,259, G>T. VCF-style: chr21-33750259-G-T. GRCh37 (hg19) VCF-style: chr21-35122564-G-T.
Other names: c.352G>T, p.Val118Leu (NM_001331012.2); c.463G>T, p.Val155Leu (NM_001001132.2, NM_001331008.2, NM_001331009.2 and 2 more transcripts); short protein forms V118L, V155L.
Identifiers: ClinVar variation 3376637 (VCV003376637.1).

ClinVar aggregate classification (germline): Uncertain significance (1 of 4 stars; one submission).

Conditions:
Neurodevelopmental disorder. Identifiers: MedGen C1535926, MeSH D065886, MONDO:0700092.

Submission:

Victorian Clinical Genetics Services, Murdoch Childrens Research Institute
Classification: Uncertain significance for Neurodevelopmental disorder. Last evaluated: 2022-09-02. Review status: criteria provided, single submitter. Criteria: ACMG Guidelines, 2015. Collection method: clinical testing. Allele origin: germline. Inheritance: Autosomal dominant inheritance. Affected: yes.
Comment: Based on the classification scheme VCGS_Germline_v1.3.4, this variant is classified as VUS-3C. Following criteria are met: 0102 - Loss of function is a known mechanism of disease in this gene and is associated with nephrotic syndrome (MONDO#0005377), ITSN1-related and neurodevelopmental disorder (MONDO#0700092), ITSN1-related. (I) 0108 - This gene is associated with both recessive and dominant disease. Biallelic variants cause autosomal recessive nephrotic syndrome (MONDO#0005377), ITSN1-related, while monoallelic variants cause autosomal dominant neurodevelopmental disorder (MONDO#0700092), ITSN1-related (PMIDs: 29773874, 30721404, 34707297). (I) 0200 - Variant is predicted to result in a missense amino acid change from valine to leucine. (I) 0251 - This variant is heterozygous. (I) 0301 - Variant is absent from gnomAD (both v2 and v3). (SP) 0503 - Missense variant consistently predicted to be tolerated by multiple in silico tools or not conserved in placental mammals with a minor amino acid change. (SB) 0604 - Variant is not located in an established domain, motif, hotspot or informative constraint region. (I) 0705 - No comparable missense variants have previous evidence for pathogenicity. (I) 0807 - This variant has no previous evidence of pathogenicity. (I) 0905 - No published segregation evidence has been identified for this variant. (I) 1007 - No published functional evidence has been identified for this variant. (I) 1208 - Inheritance information for this variant is not currently available in this individual. (I) Legend: (SP) - Supporting pathogenic, (I) - Information, (SB) - Supporting benign

Literature cited by the submitters: PubMed 29773874; PubMed 30721404; PubMed 34707297.